The following is an entry in ClinVar:

ClinVar aggregate classification (germline): Pathogenic. Review status: criteria provided, multiple submitters, no conflicts (2 of 4 stars). 2 submissions from 2 submitters: Pathogenic (2). Last evaluated 2023-01-04.

Conditions:
Hereditary spastic paraplegia 54. Also called: Spastic paraplegia 54, autosomal recessive. Identifiers: Orphanet 320380, MedGen C3539495, MONDO:0014018, OMIM 615033.

Allele frequency attached by ClinVar (database versions not stated): gnomAD 0.00001.

Submissions (2):

Baylor Genetics
Classification: Pathogenic for Hereditary spastic paraplegia 54. Last evaluated: 2023-01-04. Review status: criteria provided, single submitter. Criteria: ACMG Guidelines, 2015. Collection method: clinical testing. Allele origin: unknown.

Labcorp Genetics (formerly Invitae), Labcorp
Classification: Pathogenic for Hereditary spastic paraplegia 54. Last evaluated: 2022-06-04. Review status: criteria provided, single submitter. Criteria: Invitae Variant Classification Sherloc (09022015). Collection method: clinical testing. Allele origin: germline.
Comment: For these reasons, this variant has been classified as Pathogenic. ClinVar contains an entry for this variant (Variation ID: 653596). This variant has not been reported in the literature in individuals affected with DDHD2-related conditions. This variant is not present in population databases (gnomAD no frequency). This sequence change creates a premature translational stop signal (p.Tyr140*) in the DDHD2 gene. It is expected to result in an absent or disrupted protein product. Loss-of-function variants in DDHD2 are known to be pathogenic (PMID: 23176823, 23486545).

Literature cited by the submitters: PubMed 23176823 (cited by Labcorp Genetics (formerly Invitae), Labcorp); PubMed 23486545 (cited by Labcorp Genetics (formerly Invitae), Labcorp).

NM_015214.3(DDHD2):c.420C>A (p.Tyr140Ter)

Gene: DDHD2 (DDHD domain containing 2; plus strand). Cytogenetic location: 8p11.23.
Variant type: single nucleotide variant.
Coding change: c.420C>A on transcript NM_015214.3 (MANE Select); coding-DNA position 420, C replaced by A.
Protein change: p.Tyr140Ter; replaces tyrosine 140 with a stop codon.
Molecular consequence: nonsense. On other transcripts: non-coding transcript variant (2).
Genome position (GRCh38, 1-based): chr8:38,237,546, C>A. VCF-style: chr8-38237546-C-A. GRCh37 (hg19) VCF-style: chr8-38095064-C-A.
Other names: c.420C>A, p.Tyr140Ter (NM_001164232.2, NM_001164234.2, NM_001362911.2 and 3 more transcripts); short protein forms Y140*.
Identifiers: ClinVar variation 653596 (VCV000653596.6), dbSNP rs939799061, ClinGen allele CA175111880.
Genomic context (GRCh38, chr8:38,237,546, plus strand): 5'-GTTTAATAGGAAAGCTACTAGAGAACTCTAATGAAATGTGTTTTCTTTTAAGGAAACTTA[C>A]ATGCTTGCTGTAACTTTGGATGAATGGAAAAAGAAACTGGAATCTCCCAACAGAGAAATT-3'